The following is an entry in ClinVar:

ClinVar aggregate classification (germline): Pathogenic. Review status: criteria provided, multiple submitters, no conflicts (2 of 4 stars). 2 submissions from 2 submitters: Pathogenic (2). Last evaluated 2024-07-15.

Conditions:
Hereditary cancer-predisposing syndrome. Also called: Tumor predisposition; Hereditary neoplastic syndrome; Neoplastic Syndromes, Hereditary; Hereditary Cancer Syndrome. Identifiers: Orphanet 140162, MedGen C0027672, MeSH D009386, MONDO:0015356.

Submissions (2):

Labcorp Genetics (formerly Invitae), Labcorp
Classification: Pathogenic for Hereditary cancer-predisposing syndrome. Last evaluated: 2024-07-15. Review status: criteria provided, single submitter. Criteria: Invitae Variant Classification Sherloc (09022015). Collection method: clinical testing. Allele origin: germline.
Comment: This sequence change creates a premature translational stop signal (p.Ile429Metfs*3) in the RAD50 gene. It is expected to result in an absent or disrupted protein product. Loss-of-function variants in RAD50 are known to be pathogenic (PMID: 19409520). This variant is not present in population databases (gnomAD no frequency). This variant has not been reported in the literature in individuals affected with RAD50-related conditions. ClinVar contains an entry for this variant (Variation ID: 818805). For these reasons, this variant has been classified as Pathogenic.

Ambry Genetics
Classification: Pathogenic for Hereditary cancer-predisposing syndrome. Last evaluated: 2018-10-12. Review status: criteria provided, single submitter. Criteria: Ambry Variant Classification Scheme 2023. Collection method: clinical testing. Allele origin: germline.
Comment: The c.1287_1290delAGAT pathogenic mutation, located in coding exon 9 of the RAD50 gene, results from a deletion of 4 nucleotides at nucleotide positions 1287 to 1290, causing a translational frameshift with a predicted alternate stop codon (p.I429Mfs*3). This alteration is expected to result in loss of function by premature protein truncation or nonsense-mediated mRNA decay. As such, this alteration is interpreted as a disease-causing mutation.

Literature cited by the submitters: PubMed 19409520 (cited by Labcorp Genetics (formerly Invitae), Labcorp).

NM_005732.4(RAD50):c.1287_1290del (p.Ile429fs)

Gene: RAD50 (RAD50 double strand break repair protein; plus strand). Cytogenetic location: 5q31.1.
Variant type: Microsatellite.
Coding change: c.1287_1290del on transcript NM_005732.4 (MANE Select); coding-DNA positions 1287 to 1290, 4 bases deleted (AGAT; older notation c.1287_1290delAGAT).
Protein change: p.Ile429fs; shifts the reading frame from isoleucine 429.
Molecular consequence: frameshift variant.
Genome position (GRCh38, 1-based): chr5:132,589,672-132,589,675, AGAT deleted; deleting any 4 consecutive bases within chr5:132,589,668-132,589,675 gives the same sequence; the c. name uses the placement nearest the transcript's 3' end. VCF-style (leftmost placement, unchanged base first): chr5-132589667-CAGAT-C. GRCh37 (hg19) VCF-style: chr5-131925359-CAGAT-C.
Other names: short protein forms I429fs.
Identifiers: ClinVar variation 818805 (VCV000818805.12), dbSNP rs1580993390, ClinGen allele CA913108213.